The following is an entry in ClinVar:

ClinVar aggregate classification (germline): Uncertain significance. Review status: criteria provided, multiple submitters, no conflicts (2 of 4 stars). 2 submissions from 2 submitters: Uncertain significance (2). Last evaluated 2021-12-04.

Conditions:
Charcot-Marie-Tooth disease type 4. Also called: Charcot-Marie-Tooth, Type 4; Charcot-Marie-Tooth disease, type IV. Identifiers: Orphanet 64749, MedGen C4082197, MONDO:0018995.
Inborn genetic diseases. Identifiers: MedGen C0950123, MeSH D030342.

Allele frequency attached by ClinVar (database versions not stated): gnomAD 0.00001.
gnomAD v4.1: 6 of 1,611,214 alleles (0.00037%); highest among the groups gnomAD compares: African/African-American, 0.008%; no homozygotes.

Submissions (2):

Labcorp Genetics (formerly Invitae), Labcorp
Classification: Uncertain significance for Charcot-Marie-Tooth disease type 4. Last evaluated: 2021-12-04. Review status: criteria provided, single submitter. Criteria: Invitae Variant Classification Sherloc (09022015). Collection method: clinical testing. Allele origin: germline.
Comment: This sequence change replaces glycine, which is neutral and non-polar, with alanine, which is neutral and non-polar, at codon 1105 of the PRX protein (p.Gly1105Ala). This variant is present in population databases (no rsID available, gnomAD 0.007%). This variant has not been reported in the literature in individuals affected with PRX-related conditions. Algorithms developed to predict the effect of missense changes on protein structure and function output the following: SIFT: "Tolerated"; PolyPhen-2: "Possibly Damaging"; Align-GVGD: "Class C0". The alanine amino acid residue is found in multiple mammalian species, which suggests that this missense change does not adversely affect protein function. In summary, the available evidence is currently insufficient to determine the role of this variant in disease. Therefore, it has been classified as a Variant of Uncertain Significance.

Ambry Genetics
Classification: Uncertain significance for Inborn genetic diseases. Last evaluated: 2020-11-23. Review status: criteria provided, single submitter. Criteria: Ambry Variant Classification Scheme 2023. Collection method: clinical testing. Allele origin: germline.
Comment: The p.G1105A variant (also known as c.3314G>C), located in coding exon 4 of the PRX gene, results from a G to C substitution at nucleotide position 3314. The glycine at codon 1105 is replaced by alanine, an amino acid with similar properties. This amino acid position is not well conserved in available vertebrate species. In addition, this alteration is predicted to be tolerated by in silico analysis. Since supporting evidence is limited at this time, the clinical significance of this alteration remains unclear.

NM_181882.3(PRX):c.3314G>C (p.Gly1105Ala)

Gene: PRX (periaxin; minus strand). Cytogenetic location: 19q13.2.
Variant type: single nucleotide variant.
Coding change: c.3314G>C on transcript NM_181882.3 (MANE Select); coding-DNA position 3314, G replaced by C.
Protein change: p.Gly1105Ala; replaces glycine 1105 with alanine.
Molecular consequence: missense variant. On other transcripts: 3 prime UTR variant (1).
Genome position (GRCh38, 1-based): chr19:40,395,038, C>G on the plus strand (G>C on the coding strand, the complement: PRX is on the minus strand). VCF-style: chr19-40395038-C-G. GRCh37 (hg19) VCF-style: chr19-40900945-C-G.
Other names: c.3599G>C, p.Gly1200Ala (NM_001411127.1); c.*3519G>C (NM_020956.2); short protein forms G1200A, G1105A.
Identifiers: ClinVar variation 1730122 (VCV001730122.4), dbSNP rs1403624335, ClinGen allele CA405894338.